The following is an entry in ClinVar:

NM_000180.4(GUCY2D):c.1750-1G>A

Gene: GUCY2D (guanylate cyclase 2D, retinal; plus strand). Cytogenetic location: 17p13.1.
Variant type: single nucleotide variant.
Coding change: c.1750-1G>A on transcript NM_000180.4 (MANE Select); the canonical splice acceptor site of the intron before coding-DNA position 1750, G replaced by A.
Molecular consequence: splice acceptor variant.
Genome position (GRCh38, 1-based): chr17:8,012,143, G>A. VCF-style: chr17-8012143-G-A. GRCh37 (hg19) VCF-style: chr17-7915461-G-A.
Identifiers: ClinVar variation 4787340 (VCV004787340.1).

ClinVar aggregate classification (germline): Likely pathogenic (1 of 4 stars; one submission).

Conditions:
Leber congenital amaurosis 1 (LCA1). Also called: AMAUROSIS CONGENITA OF LEBER I; RETINAL BLINDNESS, CONGENITAL; Congenital absence of the rods and cones; Leber's congenital tapetoretinal degeneration; Leber's congenital tapetoretinal dysplasia. Identifiers: Orphanet 65, MedGen C2931258, MONDO:0008764, OMIM 204000.
Cone-rod dystrophy 6 (CORD6). Also called: RETINAL CONE DYSTROPHY 2; Cone dystrophy progressive. Identifiers: Orphanet 1872, MedGen C1866293, MONDO:0011143, OMIM 601777.

Submission:

Labcorp Genetics (formerly Invitae), Labcorp
Classification: Likely pathogenic for Leber congenital amaurosis 1; Cone-rod dystrophy 6. Last evaluated: 2026-01-26. Review status: criteria provided, single submitter. Criteria: Invitae Variant Classification Sherloc (09022015). Collection method: clinical testing. Allele origin: germline.
Comment: This sequence change affects an acceptor splice site in intron 8 of the GUCY2D gene. It is expected to disrupt RNA splicing. Variants that disrupt the donor or acceptor splice site typically lead to a loss of protein function (PMID: 16199547), and loss-of-function variants in GUCY2D are known to be pathogenic (PMID: 10951519, 11328726). This variant is not present in population databases (gnomAD no frequency). This variant has not been reported in the literature in individuals affected with GUCY2D-related conditions. Algorithms developed to predict the effect of sequence changes on RNA splicing suggest that this variant may disrupt the consensus splice site. In summary, the currently available evidence indicates that the variant is pathogenic, but additional data are needed to prove that conclusively. Therefore, this variant has been classified as Likely Pathogenic.

Literature cited by the submitters: PubMed 16199547; PubMed 10951519; PubMed 11328726.